The following is an entry in ClinVar:

ClinVar aggregate classification (germline): Likely benign. Review status: criteria provided, multiple submitters, no conflicts (2 of 4 stars). 4 submissions from 4 submitters: Likely benign (3). 1 of the submissions does not count toward it. Last evaluated 2025-07-31.

Conditions:
A2ML1-related disorder. Also called: A2ML1-related condition.

Allele frequency attached by ClinVar (database versions not stated): gnomAD exomes 0.00003; gnomAD 0.00006 and 0.00008; ESP Exome Variant Server 0.00008; TOPMed 0.00017.
gnomAD v4.1: 143 of 1,614,098 alleles (0.0089%); highest among the groups gnomAD compares: Admixed American, 0.015%; no homozygotes.

Submissions (4):

Labcorp Genetics (formerly Invitae), Labcorp
Classification: Likely benign. Last evaluated: 2025-07-31. Review status: criteria provided, single submitter. Criteria: Invitae Variant Classification Sherloc (09022015). Collection method: clinical testing. Allele origin: germline.

Women's Health and Genetics/Laboratory Corporation of America, LabCorp
Classification: Likely benign. Last evaluated: 2020-03-21. Review status: criteria provided, single submitter. Criteria: LabCorp Variant Classification Summary - May 2015. Collection method: clinical testing. Allele origin: germline.

Ambry Genetics
Classification: Likely benign. Last evaluated: 2019-05-19. Review status: criteria provided, single submitter. Criteria: Ambry Variant Classification Scheme 2023. Collection method: clinical testing. Allele origin: germline.

PreventionGenetics, part of Exact Sciences
Classification: Likely benign for A2ML1-related condition. Last evaluated: 2019-06-13. Review status: no assertion criteria provided. Collection method: clinical testing. Allele origin: germline. Not counted in ClinVar's aggregate classification.
Comment: This variant is classified as likely benign based on ACMG/AMP sequence variant interpretation guidelines (Richards et al. 2015 PMID: 25741868, with internal and published modifications).

NM_144670.6(A2ML1):c.2328C>T (p.Phe776=)

Gene: A2ML1 (alpha-2-macroglobulin like 1; plus strand). Cytogenetic location: 12p13.31.
Variant type: single nucleotide variant.
Coding change: c.2328C>T on transcript NM_144670.6 (MANE Select); coding-DNA position 2328, C replaced by T.
Protein change: p.Phe776=; no amino-acid change (phenylalanine 776 retained).
Molecular consequence: synonymous variant.
Genome position (GRCh38, 1-based): chr12:8,851,877, C>T. VCF-style: chr12-8851877-C-T. GRCh37 (hg19) VCF-style: chr12-9004473-C-T.
Other names: c.855C>T, p.Phe285= (NM_001282424.3).
Identifiers: ClinVar variation 701862 (VCV000701862.15), dbSNP rs368663740, ClinGen allele CA6435992.